The following is an entry in ClinVar:

ClinVar aggregate classification (germline): Uncertain significance (1 of 4 stars; one submission).

Conditions:
VPS13B-related disorder. Also called: VPS13B-related condition.

Allele frequency attached by ClinVar (database versions not stated): gnomAD 0.00001; ExAC 0.00008.
gnomAD v4.1: 27 of 1,611,102 alleles (0.0017%); highest among the groups gnomAD compares: Non-Finnish European, 0.0023%; no homozygotes.

Submission:

PreventionGenetics, part of Exact Sciences
Classification: Uncertain significance for VPS13B-related condition. Last evaluated: 2022-08-24. Review status: criteria provided, single submitter. Criteria: ACMG Guidelines, 2015. Collection method: clinical testing. Allele origin: germline.
Comment: The VPS13B c.1230A>T variant is predicted to result in the amino acid substitution p.Leu410Phe. To our knowledge, this variant has not been reported in the literature. This variant is reported in 0.0094% of alleles in individuals of European (Non-Finnish) descent in gnomAD. At this time, the clinical significance of this variant is uncertain due to the absence of conclusive functional and genetic evidence.

NM_152564.5(VPS13B):c.1206+24A>T

Gene: VPS13B (vacuolar protein sorting 13 homolog B; plus strand). Cytogenetic location: 8q22.2.
Variant type: single nucleotide variant.
Coding change: c.1206+24A>T on transcript NM_152564.5 (MANE Select); 24 bases into the intron after coding-DNA position 1206, A replaced by T.
Molecular consequence: intron variant. On other transcripts: missense variant (1), non-coding transcript variant (1).
Genome position (GRCh38, 1-based): chr8:99,121,469, A>T. VCF-style: chr8-99121469-A-T. GRCh37 (hg19) VCF-style: chr8-100133697-A-T.
Other names: c.1230A>T, p.Leu410Phe (NM_181661.3); c.1206+24A>T (NM_017890.5, NM_015243.3); short protein forms L410F.
Identifiers: ClinVar variation 2628630 (VCV002628630.1), dbSNP rs757901988, ClinGen allele CA4822562.
Genomic context (GRCh38, chr8:99,121,469, plus strand): 5'-AGGATTTTATTGCACAAAGGCAACGGTGACTTTCAAAGTAGGTCTTTTCTCTTGCTGTTT[A>T]TATCTCTATCAACTTTAATGCTTAAATTTGGATTGTTAGTACAATTCTAGCTTTATTCAA-3'